The following is an entry in ClinVar:

NM_001232.4(CASQ2):c.64G>A (p.Gly22Arg)

Gene: CASQ2 (calsequestrin 2; minus strand). Cytogenetic location: 1p13.1.
Variant type: single nucleotide variant.
Coding change: c.64G>A on transcript NM_001232.4 (MANE Select); coding-DNA position 64, G replaced by A.
Protein change: p.Gly22Arg; replaces glycine 22 with arginine.
Molecular consequence: missense variant.
Genome position (GRCh38, 1-based): chr1:115,768,478, C>T on the plus strand (G>A on the coding strand, the complement: CASQ2 is on the minus strand). VCF-style: chr1-115768478-C-T. GRCh37 (hg19) VCF-style: chr1-116311099-C-T.
Other names: short protein forms G22R.
Identifiers: ClinVar variation 1753898 (VCV001753898.7), dbSNP rs759318407, ClinGen allele CA1024007.

ClinVar aggregate classification (germline): Uncertain significance. Review status: criteria provided, multiple submitters, no conflicts (2 of 4 stars). 3 submissions from 3 submitters: Uncertain significance (3). Last evaluated 2025-07-28.

Conditions:
Catecholaminergic polymorphic ventricular tachycardia 2. Also called: VENTRICULAR TACHYCARDIA, STRESS-INDUCED POLYMORPHIC 2; CASQ2-Related Catecholaminergic Polymorphic Ventricular Tachycardia. Identifiers: Orphanet 3286, MedGen C2677794, MONDO:0012762, OMIM 611938.
Cardiovascular phenotype. Identifiers: MedGen CN230736.
Catecholaminergic polymorphic ventricular tachycardia 1. Also called: VENTRICULAR TACHYCARDIA, CATECHOLAMINERGIC POLYMORPHIC, 1, WITH OR WITHOUT ATRIAL DYSFUNCTION AND/OR DILATED CARDIOMYOPATHY; VENTRICULAR TACHYCARDIA, STRESS-INDUCED POLYMORPHIC 1; RYR2-Related Catecholaminergic Polymorphic Ventricular Tachycardia. Identifiers: Orphanet 3286, MedGen C1631597, MONDO:0011484, OMIM 604772.

Allele frequency attached by ClinVar (database versions not stated): gnomAD exomes below 0.00001; ExAC 0.00001; TOPMed 0.00001; gnomAD 0.00002.
gnomAD v4.1: 7 of 1,613,796 alleles (0.00043%); highest among the groups gnomAD compares: African/African-American, 0.0067%; no homozygotes.

Submissions (3):

Labcorp Genetics (formerly Invitae), Labcorp
Classification: Uncertain significance for Catecholaminergic polymorphic ventricular tachycardia 1. Last evaluated: 2025-07-28. Review status: criteria provided, single submitter. Criteria: Invitae Variant Classification Sherloc (09022015). Collection method: clinical testing. Allele origin: germline.
Comment: This sequence change replaces glycine, which is neutral and non-polar, with arginine, which is basic and polar, at codon 22 of the CASQ2 protein (p.Gly22Arg). This variant is present in population databases (rs759318407, gnomAD 0.01%). This variant has not been reported in the literature in individuals affected with CASQ2-related conditions. ClinVar contains an entry for this variant (Variation ID: 1753898). Invitae Evidence Modeling of protein sequence and biophysical properties (such as structural, functional, and spatial information, amino acid conservation, physicochemical variation, residue mobility, and thermodynamic stability) indicates that this missense variant is not expected to disrupt CASQ2 protein function with a negative predictive value of 80%. In summary, the available evidence is currently insufficient to determine the role of this variant in disease. Therefore, it has been classified as a Variant of Uncertain Significance.

Ambry Genetics
Classification: Uncertain significance for Cardiovascular phenotype. Last evaluated: 2024-05-25. Review status: criteria provided, single submitter. Criteria: Ambry Variant Classification Scheme 2023. Collection method: clinical testing. Allele origin: germline.
Comment: The p.G22R variant (also known as c.64G>A), located in coding exon 1 of the CASQ2 gene, results from a G to A substitution at nucleotide position 64. The glycine at codon 22 is replaced by arginine, an amino acid with dissimilar properties. This amino acid position is highly conserved in available vertebrate species. In addition, this alteration is predicted to be deleterious by in silico analysis. Since supporting evidence is limited at this time, the clinical significance of this alteration remains unclear.

Genome-Nilou Lab
Classification: Uncertain significance for Catecholaminergic polymorphic ventricular tachycardia 2. Last evaluated: 2023-04-11. Review status: criteria provided, single submitter. Criteria: ACMG Guidelines, 2015. Collection method: clinical testing. Allele origin: germline. Affected: no.